The following is an entry in ClinVar:

ClinVar aggregate classification (germline): Uncertain significance (1 of 4 stars; one submission).

Allele frequency attached by ClinVar (database versions not stated): gnomAD exomes 0.00003; TOPMed 0.00003; gnomAD 0.00005.
gnomAD v4.1: 43 of 1,551,588 alleles (0.0028%); highest among the groups gnomAD compares: Middle Eastern, 0.033%; no homozygotes.

Submission:

GeneDx
Classification: Uncertain significance. Last evaluated: 2022-12-01. Review status: criteria provided, single submitter. Criteria: GeneDx Variant Classification Process June 2021. Collection method: clinical testing. Allele origin: germline. Affected: yes.
Comment: In silico analysis supports that this missense variant has a deleterious effect on protein structure/function; Has not been previously published as pathogenic or benign to our knowledge; Variants in candidate genes are classified as variants of uncertain significance in accordance with ACMG guidelines (Richards et al., 2015)

NM_144666.3(DNHD1):c.9284C>T (p.Ser3095Leu)

Gene: DNHD1 (dynein heavy chain domain 1; plus strand). Cytogenetic location: 11p15.4.
Variant type: single nucleotide variant.
Coding change: c.9284C>T on transcript NM_144666.3 (MANE Select); coding-DNA position 9284, C replaced by T.
Protein change: p.Ser3095Leu; replaces serine 3095 with leucine.
Molecular consequence: missense variant.
Genome position (GRCh38, 1-based): chr11:6,558,974, C>T. VCF-style: chr11-6558974-C-T. GRCh37 (hg19) VCF-style: chr11-6580204-C-T.
Other names: short protein forms S3095L.
Identifiers: ClinVar variation 3252457 (VCV003252457.1), dbSNP rs975437665.